The following is an entry in ClinVar:

NM_001374385.1(ATP8B1):c.3034_3035del (p.Ser1012fs)

Genes: ATP8B1 (ATPase phospholipid transporting 8B1; minus strand), ATP8B1-AS1 (ATP8B1 antisense RNA 1; plus strand). Cytogenetic location: 18q21.31.
Variant type: Deletion.
Coding change: c.3034_3035del on transcript NM_001374385.1 (MANE Select); coding-DNA positions 3034 to 3035, 2 bases deleted (AG; older notation c.3034_3035delAG).
Protein change: p.Ser1012fs; shifts the reading frame from serine 1012.
Molecular consequence: frameshift variant.
Genome position (GRCh38, 1-based): chr18:57,652,710-57,652,711, CT deleted on the plus strand (AG on the coding strand, the reverse complement: ATP8B1 is on the minus strand); deleting any 2 consecutive bases within chr18:57,652,710-57,652,712 gives the same sequence; the c. name uses the placement nearest the transcript's 3' end. VCF-style (leftmost placement, unchanged base first): chr18-57652709-GCT-G. GRCh37 (hg19) VCF-style: chr18-55319941-GCT-G.
Other names: c.2884_2885del, p.Ser962fs (NM_001374386.1); c.3034_3035del, p.Ser1012fs (NM_005603.6); short protein forms S1012fs, S962fs.
Identifiers: ClinVar variation 4846282 (VCV004846282.1).
Genomic context (GRCh38, chr18:57,652,709, plus strand): 5'-TCTCTTATAGTTGAATAGTAAGTCTCTTTGTCCCACTATGTATAACCCAGGGAATCGGAG[GCT>G]CAGTTTGTCACTCACATCCTTAAGGAGAAAACAAAATGATGGTATTTTATTCATCAGGTC-3'

ClinVar aggregate classification (germline): Pathogenic (1 of 4 stars; one submission).

Conditions:
Familial intrahepatic cholestasis. Identifiers: Orphanet 284385, MedGen CN296401, MONDO:0017290.

Submission:

Genomenon, Inc
Classification: Pathogenic for Familial intrahepatic cholestasis. Last evaluated: 2026-04-14. Review status: criteria provided, single submitter. Criteria: Genomenon Sequence Variant Interpretation Standards - Updated. Collection method: curation. Allele origin: germline. Affected: yes.
Comment: ATP8B1 p.Ser1012ProfsTer19 (c.3034_3035del) is a frameshift variant that results in the production of a truncated protein which is predicted to undergo nonsense-mediated mRNA decay. This variant has been observed in at least one proband with features of ATP8B1-deficiency (PMID:25022842). It is absent or not present at a significant frequency in gnomAD. In conclusion, we classify ATP8B1 p.Ser1012ProfsTer19 (c.3034_3035del) as a pathogenic variant.

Literature cited by the submitters: PubMed 25022842.